The following is an entry in ClinVar:

NM_201253.3(CRB1):c.2105A>G (p.Tyr702Cys)

Gene: CRB1 (crumbs cell polarity complex component 1; plus strand). Cytogenetic location: 1q31.3.
Variant type: single nucleotide variant.
Coding change: c.2105A>G on transcript NM_201253.3 (MANE Select); coding-DNA position 2105, A replaced by G.
Protein change: p.Tyr702Cys; replaces tyrosine 702 with cysteine.
Molecular consequence: missense variant. On other transcripts: non-coding transcript variant (2).
Genome position (GRCh38, 1-based): chr1:197,421,933, A>G. VCF-style: chr1-197421933-A-G. GRCh37 (hg19) VCF-style: chr1-197391063-A-G.
Other names: c.1769A>G, p.Tyr590Cys (NM_001193640.2); c.1898A>G, p.Tyr633Cys (NM_001257965.2); c.2105A>G, p.Tyr702Cys (NM_001257966.2); short protein forms Y590C, Y633C, Y702C.
Identifiers: ClinVar variation 1066344 (VCV001066344.12), dbSNP rs1180527322, ClinGen allele CA344034221.
Genomic context (GRCh38, chr1:197,421,933, plus strand): 5'-AAAGCAGAGGACGCTGCATCAACTTGTGGCTGAGTTACCAGTGTGACTGCCACAGGCCCT[A>G]TGAAGGCCCCAACTGTCTGAGAGGTGAGAGAAAGCTGAGTGCTATGGCTAGGAGTGCCAT-3'
Protein context (NP_957705.1, residues 692-712): LSYQCDCHRP[Tyr702Cys]EGPNCLREYV

ClinVar aggregate classification (germline): Pathogenic/Likely pathogenic. Review status: criteria provided, multiple submitters, no conflicts (2 of 4 stars). 3 submissions from 3 submitters: Pathogenic (1); Likely pathogenic (2). Last evaluated 2024-11-03.

Conditions:
Retinitis pigmentosa 12 (RP12). Also called: RP WITH OR WITHOUT PPRPE; RP WITH OR WITHOUT PRESERVED PARAARTERIOLE RETINAL PIGMENT EPITHELIUM; RETINITIS PIGMENTOSA WITH OR WITHOUT PARAARTERIOLAR PRESERVATION OF RETINAL PIGMENT EPITHELIUM. Identifiers: Orphanet 791, MedGen C1838647, MONDO:0010818, OMIM 600105.
Leber congenital amaurosis 8 (LCA8). Identifiers: Orphanet 65, MedGen C3151202, MONDO:0013453, OMIM 613835.
Retinal dystrophy. Also called: Inherited retinal dystrophy. Identifiers: Orphanet 71862, MedGen C0854723, MeSH D058499, MONDO:0019118, HP:0000556.

Allele frequency attached by ClinVar (database versions not stated): gnomAD exomes below 0.00001; TOPMed below 0.00001; gnomAD 0.00001.
gnomAD v4.1: 6 of 1,613,984 alleles (0.00037%); highest among the groups gnomAD compares: Non-Finnish European, 0.00051%; no homozygotes.

Submissions (3):

Labcorp Genetics (formerly Invitae), Labcorp
Classification: Likely pathogenic for Leber congenital amaurosis 8; Retinitis pigmentosa 12. Last evaluated: 2024-11-03. Review status: criteria provided, single submitter. Criteria: Invitae Variant Classification Sherloc (09022015). Collection method: clinical testing. Allele origin: germline.
Comment: This sequence change replaces tyrosine, which is neutral and polar, with cysteine, which is neutral and slightly polar, at codon 702 of the CRB1 protein (p.Tyr702Cys). This variant is present in population databases (no rsID available, gnomAD 0.0009%). This missense change has been observed in individual(s) with CRB1-related conditions (PMID: 28559085, 36648511). In at least one individual the data is consistent with being in trans (on the opposite chromosome) from a pathogenic variant. ClinVar contains an entry for this variant (Variation ID: 1066344). Invitae Evidence Modeling of protein sequence and biophysical properties (such as structural, functional, and spatial information, amino acid conservation, physicochemical variation, residue mobility, and thermodynamic stability) has been performed for this missense variant. However, the output from this modeling did not meet the statistical confidence thresholds required to predict the impact of this variant on CRB1 protein function. In summary, the currently available evidence indicates that the variant is pathogenic, but additional data are needed to prove that conclusively. Therefore, this variant has been classified as Likely Pathogenic.

Women's Health and Genetics/Laboratory Corporation of America, LabCorp
Classification: Pathogenic for Retinal dystrophy. Last evaluated: 2024-07-10. Review status: criteria provided, single submitter. Criteria: LabCorp Variant Classification Summary - May 2015. Collection method: clinical testing. Allele origin: germline.
Comment: Variant summary: CRB1 c.2105A>G (p.Tyr702Cys) results in a non-conservative amino acid change located in the EGF like domain (IPR000742) of the encoded protein sequence. Five of five in-silico tools predict a damaging effect of the variant on protein function. The variant allele was found at a frequency of 4e-06 in 249212 control chromosomes. c.2105A>G has been reported in the literature in multiple individuals affected with Retinal Dystrophy (examples: Stone_2017, Habibi_2020, Yohe_2020, Ganapathi_2022, Gopinath_2023). These data indicate that the variant is very likely to be associated with disease. The following publications have been ascertained in the context of this evaluation (PMID: 32641690, 35672425, 31816670, 36648511, 28559085). ClinVar contains an entry for this variant (Variation ID: 1066344). Based on the evidence outlined above, the variant was classified as pathogenic.

Baylor Genetics
Classification: Likely pathogenic for Leber congenital amaurosis 8. Last evaluated: 2023-11-09. Review status: criteria provided, single submitter. Criteria: ACMG Guidelines, 2015. Collection method: clinical testing. Allele origin: unknown.

Literature cited by the submitters: PubMed 28559085 (cited by Labcorp Genetics (formerly Invitae), Labcorp and Women's Health and Genetics/Laboratory Corporation of America, LabCorp); PubMed 36648511 (cited by Labcorp Genetics (formerly Invitae), Labcorp and Women's Health and Genetics/Laboratory Corporation of America, LabCorp); PubMed 32641690 (cited by Women's Health and Genetics/Laboratory Corporation of America, LabCorp); PubMed 31816670 (cited by Women's Health and Genetics/Laboratory Corporation of America, LabCorp); PubMed 35672425 (cited by Women's Health and Genetics/Laboratory Corporation of America, LabCorp).